The following is an entry in ClinVar:

ClinVar aggregate classification (germline): Uncertain significance (1 of 4 stars; one submission).

Conditions:
Neurodevelopmental disorder with hypotonia and variable intellectual and behavioral abnormalities. Identifiers: MedGen C5231423, MONDO:0032829, OMIM 618603.

Allele frequency attached by ClinVar (database versions not stated): gnomAD exomes below 0.00001.

Submission:

Victorian Clinical Genetics Services, Murdoch Childrens Research Institute
Classification: Uncertain significance for Neurodevelopmental disorder with hypotonia and variable intellectual and behavioral abnormalities. Last evaluated: 2020-10-19. Review status: criteria provided, single submitter. Criteria: ACMG Guidelines, 2015. Collection method: clinical testing. Allele origin: germline. Inheritance: Autosomal dominant inheritance. Affected: yes.
Comment: Based on the classification scheme VCGS_Germline_v1.3.3, this variant is classified as VUS - 3B. Following criteria are met: 0102 - Loss of function is a known mechanism of disease in this gene and is associated with neurodevelopmental disorder with hypotonia and variable intellectual and behavioral abnormalities (MIM#618603). However due to the greater severity in phenotype of patients with some missense variants, a dominant negative mechanism has also been suggested (PMID: 31353023). (I) 0107 - This gene is associated with autosomal dominant disease. (I) 0200 - Variant is predicted to result in a missense amino acid change from threonine to isoleucine. (I) 0251 - This variant is heterozygous. (I) 0301 - Variant is absent from gnomAD (v2). (SP) 0502 - Missense variant with conflicting in silico predictions and uninformative conservation. (I) 0600 - Variant is located in the annotated RNA polymerase Rpb1 C-terminal repeat region (PDB). (I) 0705 - No comparable missense variants have previous evidence for pathogenicity. (I) 0807 - This variant has no previous evidence of pathogenicity. (I) 0905 - No published segregation evidence has been identified for this variant. (I) 1007 - No published functional evidence has been identified for this variant. (I) 1208 - Inheritance information for this variant is not currently available in this individual. (I) Legend: (SP) - Supporting pathogenic, (I) - Information, (SB) - Supporting benign

Literature cited by the submitters: PubMed 31353023.

NM_000937.5(POLR2A):c.5672C>T (p.Thr1891Ile)

Gene: POLR2A (RNA polymerase II subunit A; plus strand). Cytogenetic location: 17p13.1.
Variant type: single nucleotide variant.
Coding change: c.5672C>T on transcript NM_000937.5 (MANE Select); coding-DNA position 5672, C replaced by T.
Protein change: p.Thr1891Ile; replaces threonine 1891 with isoleucine.
Molecular consequence: missense variant.
Genome position (GRCh38, 1-based): chr17:7,513,938, C>T. VCF-style: chr17-7513938-C-T. GRCh37 (hg19) VCF-style: chr17-7417255-C-T.
Other names: short protein forms T1891I.
Identifiers: ClinVar variation 1806337 (VCV001806337.1), dbSNP rs2508205972, ClinGen allele CA397839006.